The following is an entry in ClinVar:

NM_000179.3(MSH6):c.2659C>T (p.Leu887Phe)

Gene: MSH6 (mutS homolog 6; plus strand). Cytogenetic location: 2p16.3.
Variant type: single nucleotide variant.
Coding change: c.2659C>T on transcript NM_000179.3 (MANE Select); coding-DNA position 2659, C replaced by T.
Protein change: p.Leu887Phe; replaces leucine 887 with phenylalanine.
Molecular consequence: missense variant.
Genome position (GRCh38, 1-based): chr2:47,800,642, C>T. VCF-style: chr2-47800642-C-T. GRCh37 (hg19) VCF-style: chr2-48027781-C-T.
Other names: c.2269C>T, p.Leu757Phe (NM_001281492.2); c.1753C>T, p.Leu585Phe (NM_001281493.2, NM_001281494.2); short protein forms L585F, L757F, L887F.
Identifiers: ClinVar variation 839165 (VCV000839165.11), dbSNP rs1423320900, ClinGen allele CA346755195.

ClinVar aggregate classification (germline): Uncertain significance. Review status: criteria provided, multiple submitters, no conflicts (2 of 4 stars). 2 submissions from 2 submitters: Uncertain significance (2). Last evaluated 2026-02-11.

Conditions:
Hereditary nonpolyposis colorectal neoplasms. Identifiers: MedGen C0009405, MeSH D003123.
Hereditary cancer-predisposing syndrome. Also called: Hereditary Cancer Syndrome; Tumor predisposition; Neoplastic Syndromes, Hereditary; Hereditary neoplastic syndrome. Identifiers: Orphanet 140162, MedGen C0027672, MeSH D009386, MONDO:0015356.

Submissions (2):

Ambry Genetics
Classification: Uncertain significance for Hereditary cancer-predisposing syndrome. Last evaluated: 2026-02-11. Review status: criteria provided, single submitter. Criteria: Ambry Variant Classification Scheme 2023. Collection method: clinical testing. Allele origin: germline.
Comment: The p.L887F variant (also known as c.2659C>T), located in coding exon 4 of the MSH6 gene, results from a C to T substitution at nucleotide position 2659. The leucine at codon 887 is replaced by phenylalanine, an amino acid with highly similar properties. This amino acid position is highly conserved in available vertebrate species. In addition, this alteration is predicted to be deleterious by in silico analysis. Based on the available evidence, the clinical significance of this variant remains unclear.

Labcorp Genetics (formerly Invitae), Labcorp
Classification: Uncertain significance for Hereditary nonpolyposis colorectal neoplasms. Last evaluated: 2019-10-25. Review status: criteria provided, single submitter. Criteria: Invitae Variant Classification Sherloc (09022015). Collection method: clinical testing. Allele origin: germline.
Comment: In summary, the available evidence is currently insufficient to determine the role of this variant in disease. Therefore, it has been classified as a Variant of Uncertain Significance. Algorithms developed to predict the effect of missense changes on protein structure and function are either unavailable or do not agree on the potential impact of this missense change (SIFT: "Deleterious"; PolyPhen-2: "Probably Damaging"; Align-GVGD: "Class C15"). This variant has not been reported in the literature in individuals with MSH6-related conditions. This variant is not present in population databases (ExAC no frequency). This sequence change replaces leucine with phenylalanine at codon 887 of the MSH6 protein (p.Leu887Phe). The leucine residue is highly conserved and there is a small physicochemical difference between leucine and phenylalanine.